The following is an entry in ClinVar:

ClinVar aggregate classification (germline): Conflicting classifications of pathogenicity. Review status: criteria provided, conflicting classifications (1 of 4 stars). 2 submissions from 2 submitters: Uncertain significance (1); Likely benign (1). Last evaluated 2026-01-09.

Allele frequency attached by ClinVar (database versions not stated): gnomAD exomes 0.00012 and 0.00021; ExAC 0.00025; ESP Exome Variant Server 0.00069; gnomAD 0.00082 and 0.00086; TOPMed 0.00099; 1000 Genomes Project 0.00140; 1000 Genomes Project 30x 0.00187.

Submissions (2):

Labcorp Genetics (formerly Invitae), Labcorp
Classification: Likely benign. Last evaluated: 2026-01-09. Review status: criteria provided, single submitter. Criteria: Invitae Variant Classification Sherloc (09022015). Collection method: clinical testing. Allele origin: germline.

CeGaT Center for Human Genetics Tuebingen
Classification: Uncertain significance. Last evaluated: 2024-10-01. Review status: criteria provided, single submitter. Criteria: CeGaT Center For Human Genetics Tuebingen Variant Classification Criteria Version 2. Collection method: clinical testing. Allele origin: germline. Affected: yes. Observed: 1 variant allele.
Comment: GOT2: PM2

NM_002080.4(GOT2):c.1178G>A (p.Arg393Gln)

Gene: GOT2 (glutamic-oxaloacetic transaminase 2; minus strand). Cytogenetic location: 16q21.
Variant type: single nucleotide variant.
Coding change: c.1178G>A on transcript NM_002080.4 (MANE Select); coding-DNA position 1178, G replaced by A.
Protein change: p.Arg393Gln; replaces arginine 393 with glutamine.
Molecular consequence: missense variant.
Genome position (GRCh38, 1-based): chr16:58,708,286, C>T on the plus strand (G>A on the coding strand, the complement: GOT2 is on the minus strand). VCF-style: chr16-58708286-C-T. GRCh37 (hg19) VCF-style: chr16-58742190-C-T.
Other names: c.1049G>A, p.Arg350Gln (NM_001286220.2); short protein forms R350Q, R393Q.
Identifiers: ClinVar variation 747258 (VCV000747258.23), dbSNP rs151225545, ClinGen allele CA8090816.